The following is an entry in ClinVar:

ClinVar aggregate classification (germline): Likely pathogenic (1 of 4 stars; one submission).

Conditions:
Glycine encephalopathy. Also called: Nonketotic hyperglycinemia; Non-ketotic hyperglycinemia. Identifiers: Orphanet 407, MedGen C0751748, MONDO:0011612, HP:0008288.

Submission:

Dubai Health Genomic Medicine Center, Dubai Health
Classification: Likely pathogenic for Glycine encephalopathy. Last evaluated: 2024-10-04. Review status: criteria provided, single submitter. Criteria: ACMG Guidelines, 2015. Collection method: research. Allele origin: germline. Affected: yes.
Comment: PVS1,PM2

NM_000170.3(GLDC):c.919G>T (p.Glu307Ter)

Gene: GLDC (glycine decarboxylase; minus strand). Cytogenetic location: 9p24.1.
Variant type: single nucleotide variant.
Coding change: c.919G>T on transcript NM_000170.3 (MANE Select); coding-DNA position 919, G replaced by T.
Protein change: p.Glu307Ter; replaces glutamic acid 307 with a stop codon.
Molecular consequence: nonsense.
Genome position (GRCh38, 1-based): chr9:6,604,727, C>A on the plus strand (G>T on the coding strand, the complement: GLDC is on the minus strand). VCF-style: chr9-6604727-C-A. GRCh37 (hg19) VCF-style: chr9-6604727-C-A.
Other names: short protein forms E307*.
Identifiers: ClinVar variation 3384128 (VCV003384128.1).